The following is an entry in ClinVar:

NM_000218.3(KCNQ1):c.1630_1635delinsGTTGAGA (p.Gln544fs)

Gene: KCNQ1 (potassium voltage-gated channel subfamily Q member 1; plus strand). Cytogenetic location: 11p15.5.
Variant type: Indel.
Coding change: c.1630_1635delinsGTTGAGA on transcript NM_000218.3 (MANE Select); coding-DNA positions 1630 to 1635, CAGTAC replaced by GTTGAGA.
Protein change: p.Gln544fs; shifts the reading frame from glutamine 544.
Molecular consequence: frameshift variant.
Genome position (GRCh38, 1-based): chr11:2,775,999-2,776,004, CAGTAC replaced by GTTGAGA. VCF-style: chr11-2775999-CAGTAC-GTTGAGA. GRCh37 (hg19) VCF-style: chr11-2797229-CAGTAC-GTTGAGA.
Other names: c.1630_1635delCAGTACinsGTTGAGA, p.Gln544Valfs (NM_000218.2); c.1534_1539delCAGTACinsGTTGAGA, p.Gln512Valfs (NM_001406836.1); c.1360_1365delCAGTACinsGTTGAGA, p.Gln454Valfs (NM_001406837.1); c.1090_1095delCAGTACinsGTTGAGA, p.Gln364Valfs (NM_001406838.1); c.1249_1254delCAGTACinsGTTGAGA, p.Gln417Valfs (NM_181798.2); c.1630_1635delinsGTTGAGA (NM_000218.2); short protein forms Q417fs, Q544fs.
Identifiers: ClinVar variation 52999 (VCV000052999.4), dbSNP rs397515637, ClinGen allele CA252578.

ClinVar aggregate classification (germline): Pathogenic. Review status: criteria provided, single submitter (1 of 4 stars). 2 submissions from 2 submitters: Pathogenic (1). 1 of the submissions does not count toward it. Last evaluated 2025-09-11.

Conditions:
Cardiovascular phenotype. Identifiers: MedGen CN230736.
Jervell and Lange-Nielsen syndrome 1 (JLNS1). Also called: PROLONGED QT INTERVAL IN EKG AND SUDDEN DEATH; SURDO-CARDIAC SYNDROME; CARDIOAUDITORY SYNDROME OF JERVELL AND LANGE-NIELSEN; DEAFNESS, CONGENITAL, AND FUNCTIONAL HEART DISEASE. Identifiers: Orphanet 768, Orphanet 90647, MedGen C4551509, MONDO:0024540, OMIM 220400.

Submissions (2):

Molecular Diagnostic Laboratory for Inherited Cardiovascular Disease, Montreal Heart Institute
Classification: Pathogenic for Cardiovascular phenotype. Last evaluated: 2025-09-11. Review status: criteria provided, single submitter. Criteria: ACMG Guidelines, 2015. Collection method: clinical testing. Allele origin: germline. Affected: yes.
Comment: PVS1_strong, PM2, PM3, PS3_supp, PS4_supp, PP1

OMIM
Classification: Pathogenic for JERVELL AND LANGE-NIELSEN SYNDROME 1. Last evaluated: 1997-02-01. Review status: no assertion criteria provided. Collection method: literature only. Allele origin: germline. Not counted in ClinVar's aggregate classification.

Literature cited by the submitters: PubMed 9020846 (cited by OMIM).